The following is an entry in ClinVar:

NM_001042492.3(NF1):c.5181T>G (p.Pro1727=)

Gene: NF1 (neurofibromin 1; plus strand). Cytogenetic location: 17q11.2.
Variant type: single nucleotide variant.
Coding change: c.5181T>G on transcript NM_001042492.3 (MANE Select); coding-DNA position 5181, T replaced by G.
Protein change: p.Pro1727=; no amino-acid change (proline 1727 retained).
Molecular consequence: synonymous variant.
Genome position (GRCh38, 1-based): chr17:31,326,165, T>G. VCF-style: chr17-31326165-T-G. GRCh37 (hg19) VCF-style: chr17-29653183-T-G.
Other names: c.5118T>G, p.Pro1706= (NM_000267.4).
Identifiers: ClinVar variation 3023095 (VCV003023095.4), dbSNP rs2151538814, ClinGen allele CA499233192.

ClinVar aggregate classification (germline): Benign/Likely benign. Review status: criteria provided, multiple submitters, no conflicts (2 of 4 stars). 2 submissions from 2 submitters: Benign (1); Likely benign (1). Last evaluated 2026-05-20.

Conditions:
Neurofibromatosis, type 1 (NF1). Also called: VON RECKLINGHAUSEN DISEASE; NEUROFIBROMATOSIS, TYPE I, SOMATIC; Neurofibromatosis, type I; Peripheral type neurofibromatosis. Identifiers: Orphanet 636, MedGen C0027831, MONDO:0018975, OMIM 162200. Disease mechanism: loss of function.

Submissions (2):

Myriad Genetics, Inc.
Classification: Benign for Neurofibromatosis, type 1. Last evaluated: 2026-05-20. Review status: criteria provided, single submitter. Criteria: Myriad Autosomal Dominant, Autosomal Recessive and X-Linked Classification Criteria (2023). Collection method: clinical testing. Allele origin: unknown.
Comment: This variant is considered benign. This variant is a silent/synonymous amino acid change and it is not expected to impact splicing.

Labcorp Genetics (formerly Invitae), Labcorp
Classification: Likely benign for Neurofibromatosis, type 1. Last evaluated: 2024-03-18. Review status: criteria provided, single submitter. Criteria: Invitae Variant Classification Sherloc (09022015). Collection method: clinical testing. Allele origin: germline.